The following is an entry in ClinVar:

ClinVar aggregate classification (germline): Pathogenic (1 of 4 stars; one submission).

Submission:

ISCA Site 6
Classification: Pathogenic. Last evaluated: 2011-08-12. Review status: criteria provided, single submitter. Criteria: Kaminsky et al. (Genet Med. 2011). Collection method: clinical testing. Allele origin: de novo. Affected: yes. Observed: 1 variant allele.
Comment: Copy number variation identified through the course of routine clinical cytogenomic testing in postnatal populations. Clinical assertions have been curated as described in Kaminsky et al. 2011.

GRCh38/hg38 20p13(chr20:3059231-4187716)x3

Genes: ADAM33 (ADAM metallopeptidase domain 33; minus strand), ADISSP (adipose secreted signaling protein; minus strand), AP5S1 (adaptor related protein complex 5 subunit sigma 1; plus strand), ATRN (attractin; plus strand), AVP (arginine vasopressin; minus strand) and 74 more. Cytogenetic location: 20p13.
Variant type: copy number gain.
Change: copy number 3 (three copies instead of two) of chr20:3,059,231-4,187,716 (1.13 Mb, GRCh38 coordinates, 1-based), cytogenetic band 20p13.
Identifiers: ClinVar variation 59194 (VCV000059194.2).